The following is an entry in ClinVar:

NM_001235.5(SERPINH1):c.169G>A (p.Ala57Thr)

Gene: SERPINH1 (serpin family H member 1; plus strand). Cytogenetic location: 11q13.5.
Variant type: single nucleotide variant.
Coding change: c.169G>A on transcript NM_001235.5 (MANE Select); coding-DNA position 169, G replaced by A.
Protein change: p.Ala57Thr; replaces alanine 57 with threonine.
Molecular consequence: missense variant.
Genome position (GRCh38, 1-based): chr11:75,566,518, G>A. VCF-style: chr11-75566518-G-A. GRCh37 (hg19) VCF-style: chr11-75277563-G-A.
Other names: c.169G>A, p.Ala57Thr (NM_001207014.3); short protein forms A57T.
Identifiers: ClinVar variation 2105477 (VCV002105477.4), dbSNP rs2497012904, ClinGen allele CA381889095.

ClinVar aggregate classification (germline): Uncertain significance (1 of 4 stars; one submission).

Submission:

Labcorp Genetics (formerly Invitae), Labcorp
Classification: Uncertain significance. Last evaluated: 2024-10-22. Review status: criteria provided, single submitter. Criteria: Invitae Variant Classification Sherloc (09022015). Collection method: clinical testing. Allele origin: germline.
Comment: This sequence change replaces alanine, which is neutral and non-polar, with threonine, which is neutral and polar, at codon 57 of the SERPINH1 protein (p.Ala57Thr). This variant is not present in population databases (gnomAD no frequency). This variant has not been reported in the literature in individuals affected with SERPINH1-related conditions. ClinVar contains an entry for this variant (Variation ID: 2105477). Invitae Evidence Modeling of protein sequence and biophysical properties (such as structural, functional, and spatial information, amino acid conservation, physicochemical variation, residue mobility, and thermodynamic stability) indicates that this missense variant is not expected to disrupt SERPINH1 protein function with a negative predictive value of 80%. In summary, the available evidence is currently insufficient to determine the role of this variant in disease. Therefore, it has been classified as a Variant of Uncertain Significance.